The following is an entry in ClinVar:

NM_018979.4(WNK1):c.7145C>G (p.Thr2382Ser)

Gene: WNK1 (WNK lysine deficient protein kinase 1; plus strand). Cytogenetic location: 12p13.33.
Variant type: single nucleotide variant.
Coding change: c.7145C>G on transcript NM_018979.4 (MANE Select); coding-DNA position 7145, C replaced by G.
Protein change: p.Thr2382Ser; replaces threonine 2382 with serine.
Molecular consequence: missense variant.
Genome position (GRCh38, 1-based): chr12:908,788, C>G. VCF-style: chr12-908788-C-G. GRCh37 (hg19) VCF-style: chr12-1017954-C-G.
Other names: c.7925C>G, p.Thr2642Ser (NM_001184985.2); c.6401C>G, p.Thr2134Ser (NM_014823.3); c.7901C>G, p.Thr2634Ser (NM_213655.5); short protein forms T2134S, T2382S, T2634S, T2642S.
Identifiers: ClinVar variation 3896297 (VCV003896297.2).

ClinVar aggregate classification (germline): Uncertain significance (1 of 4 stars; one submission).

Submission:

Women's Health and Genetics/Laboratory Corporation of America, LabCorp
Classification: Uncertain significance. Last evaluated: 2025-04-14. Review status: criteria provided, single submitter. Criteria: LabCorp Variant Classification Summary - May 2015. Collection method: clinical testing. Allele origin: germline.
Comment: Variant summary: WNK1 c.7145C>G (p.Thr2382Ser) results in a conservative amino acid change in the encoded protein sequence. Four of five in-silico tools predict a damaging effect of the variant on protein function. The variant was absent in 250852 control chromosomes. The available data on variant occurrences in the general population are insufficient to allow any conclusion about variant significance. To our knowledge, no occurrence of c.7145C>G in individuals affected with Neuropathy, hereditary sensory and autonomic, type 2A and no experimental evidence demonstrating its impact on protein function have been reported. No submitters have cited clinical-significance assessments for this variant to ClinVar. Based on the evidence outlined above, the variant was classified as uncertain significance.